The following is an entry in ClinVar:

ClinVar aggregate classification (germline): Uncertain significance. Review status: criteria provided, multiple submitters, no conflicts (2 of 4 stars). 2 submissions from 2 submitters: Uncertain significance (2). Last evaluated 2025-04-20.

Conditions:
Inborn genetic diseases. Identifiers: MedGen C0950123, MeSH D030342.
OAT-related disorder. Also called: OAT-related condition.

gnomAD v4.1: 58 of 1,613,796 alleles (0.0036%); highest among the groups gnomAD compares: Non-Finnish European, 0.0047%; no homozygotes.

Submissions (2):

Ambry Genetics
Classification: Uncertain significance for Inborn genetic diseases. Last evaluated: 2025-04-20. Review status: criteria provided, single submitter. Criteria: Ambry Variant Classification Scheme 2023. Collection method: clinical testing. Allele origin: germline.

PreventionGenetics, part of Exact Sciences
Classification: Uncertain significance for OAT-related condition. Last evaluated: 2024-10-26. Review status: criteria provided, single submitter. Criteria: ACMG Guidelines, 2015. Collection method: clinical testing. Allele origin: germline.
Comment: The OAT c.1279G>A variant is predicted to result in the amino acid substitution p.Glu427Lys. To our knowledge, this variant has not been reported in the literature. This variant is reported in 0.00088% of alleles in individuals of European (Non-Finnish) descent in gnomAD. At this time, the clinical significance of this variant is uncertain due to the absence of conclusive functional and genetic evidence.

NM_000274.4(OAT):c.1279G>A (p.Glu427Lys)

Gene: OAT (ornithine aminotransferase; minus strand). Cytogenetic location: 10q26.13.
Variant type: single nucleotide variant.
Coding change: c.1279G>A on transcript NM_000274.4 (MANE Select); coding-DNA position 1279, G replaced by A.
Protein change: p.Glu427Lys; replaces glutamic acid 427 with lysine.
Molecular consequence: missense variant.
Genome position (GRCh38, 1-based): chr10:124,397,983, C>T on the plus strand (G>A on the coding strand, the complement: OAT is on the minus strand). VCF-style: chr10-124397983-C-T. GRCh37 (hg19) VCF-style: chr10-126086552-C-T.
Other names: c.865G>A, p.Glu289Lys (NM_001171814.2); c.1279G>A, p.Glu427Lys (NM_001322965.2, NM_001322966.2, NM_001322967.2 and 3 more transcripts); c.958G>A, p.Glu320Lys (NM_001322971.2); c.679G>A, p.Glu227Lys (NM_001322974.2); short protein forms E427K, E289K, E227K, E320K.
Identifiers: ClinVar variation 3923392 (VCV003923392.2).